The following is an entry in ClinVar:

NM_015354.3(NUP188):c.1998C>A (p.Leu666=)

Gene: NUP188 (nucleoporin 188; plus strand). Cytogenetic location: 9q34.11.
Variant type: single nucleotide variant.
Coding change: c.1998C>A on transcript NM_015354.3 (MANE Select); coding-DNA position 1998, C replaced by A.
Protein change: p.Leu666=; no amino-acid change (leucine 666 retained).
Molecular consequence: synonymous variant.
Genome position (GRCh38, 1-based): chr9:128,984,936, C>A. VCF-style: chr9-128984936-C-A. GRCh37 (hg19) VCF-style: chr9-131747215-C-A.
Identifiers: ClinVar variation 2659557 (VCV002659557.24), dbSNP rs142108937, ClinGen allele CA5272522.

ClinVar aggregate classification (germline): Likely benign (1 of 4 stars; one submission).

Allele frequency attached by ClinVar (database versions not stated): 1000 Genomes Project 0.00040; 1000 Genomes Project 30x 0.00062; gnomAD 0.00070; TOPMed 0.00083; ESP Exome Variant Server 0.00092.
gnomAD v4.1: 1,600 of 1,613,866 alleles (0.099%); highest among the groups gnomAD compares: Non-Finnish European, 0.12%; 4 homozygotes.

Submission:

CeGaT Center for Human Genetics Tuebingen
Classification: Likely benign. Last evaluated: 2026-07-01. Review status: criteria provided, single submitter. Criteria: CeGaT Center For Human Genetics Tuebingen Variant Classification Criteria Version 2. Collection method: clinical testing. Allele origin: germline. Affected: yes. Observed: 2 variant alleles.
Comment: NUP188: BP4, BP7